The following is an entry in ClinVar:

ClinVar aggregate classification (germline): Conflicting classifications of pathogenicity. Review status: criteria provided, conflicting classifications (1 of 4 stars). 2 submissions from 2 submitters: Uncertain significance (1); Likely benign (1). Last evaluated 2026-07-06.

Conditions:
Hereditary cancer-predisposing syndrome. Also called: Neoplastic Syndromes, Hereditary; Tumor predisposition; Hereditary Cancer Syndrome; Hereditary neoplastic syndrome. Identifiers: Orphanet 140162, MedGen C0027672, MeSH D009386, MONDO:0015356.

Submissions (2):

Ambry Genetics
Classification: Likely benign for Hereditary cancer-predisposing syndrome. Last evaluated: 2026-07-06. Review status: criteria provided, single submitter. Criteria: Ambry Variant Classification Scheme 2023. Collection method: clinical testing. Allele origin: germline.

Mayo Clinic Laboratories, Mayo Clinic
Classification: Uncertain significance. Last evaluated: 2025-03-13. Review status: criteria provided, single submitter. Criteria: ACMG Guidelines, 2015. Collection method: clinical testing. Allele origin: germline. Observed: 1 variant allele.
Comment: BP1, PM2_supporting

NM_000038.6(APC):c.3617G>C (p.Ser1206Thr)

Gene: APC (APC regulator of Wnt signaling pathway; plus strand). Cytogenetic location: 5q22.2.
Variant type: single nucleotide variant.
Coding change: c.3617G>C on transcript NM_000038.6 (MANE Select); coding-DNA position 3617, G replaced by C.
Protein change: p.Ser1206Thr; replaces serine 1206 with threonine.
Molecular consequence: missense variant. On other transcripts: non-coding transcript variant (2).
Genome position (GRCh38, 1-based): chr5:112,839,211, G>C. VCF-style: chr5-112839211-G-C. GRCh37 (hg19) VCF-style: chr5-112174908-G-C.
Other names: p.Ser1206Thr; c.3617G>C, p.Ser1206Thr (NM_001127510.3, NM_001354895.2, NM_001407450.1); c.3563G>C, p.Ser1188Thr (NM_001127511.3); c.3671G>C, p.Ser1224Thr (NM_001354896.2, NM_001407447.1, NM_001407448.1 and 1 more transcripts); c.3647G>C, p.Ser1216Thr (NM_001354897.2); c.3542G>C, p.Ser1181Thr (NM_001354898.2); c.3533G>C, p.Ser1178Thr (NM_001354899.2); c.3494G>C, p.Ser1165Thr (NM_001354900.2); and 13 more; short protein forms S1165T, S1178T, S1181T, S1224T, S1188T, S1199T, S1216T, S822T.
Identifiers: ClinVar variation 4541059 (VCV004541059.2).
Genomic context (GRCh38, chr5:112,839,211, plus strand): 5'-ATATTCCTTCATCACAGAAACAGTCATTTTCATTCTCAAAGAGTTCATCTGGACAAAGCA[G>C]TAAAACCGAACATATGTCTTCAAGCAGTGAGAATACGTCCACACCTTCATCTAATGCCAA-3'
Protein context (NP_000029.2, residues 1196-1216): SFSKSSSGQS[Ser1206Thr]KTEHMSSSSE